The following is an entry in ClinVar:

ClinVar aggregate classification (germline): Pathogenic (1 of 4 stars; one submission).

Conditions:
Cardiac anomalies - developmental delay - facial dysmorphism syndrome (MRFACD). Also called: Impaired intellectual development and distinctive facial features with or without cardiac defects; MED13L Syndrome. Identifiers: Orphanet 369891, MedGen C5192431, MONDO:0014773, OMIM 616789.

Submission:

Laboratory of Human Genetics, Universidade de São Paulo
Classification: Pathogenic for Cardiac anomalies - developmental delay - facial dysmorphism syndrome. Last evaluated: 2020-10-14. Review status: criteria provided, single submitter. Criteria: ACMG Guidelines, 2015. Collection method: clinical testing. Allele origin: de novo. Inheritance: Autosomal dominant inheritance. Affected: yes. Observed: 1 variant allele, 1 heterozygote.
Comment: CNVs (Copy Number Variations), SNVs (Single Nucleotide Variations) and indels involving the MED13L gene (mediator complex subunit 13 like - OMIM*608771) can lead to an autosomal dominant clinical condition (Mental retardation and distinctive facial features with or without cardiac defects; MRFACD OMIM#616789) characterized by intellectual disability (ID) associated with facial dysmorphisms in which heart defects have incomplete penetrance (Cafiero et al., 2015; Asadollahi et al., 2017). ACMG rules for our patient: PVS1, PS2, and PM2. 2

Literature cited by the submitters: DOI 10.1038/ejhg.2015.19; DOI 10.1016/j.ejmg.2017.06.004.

NM_015335.5(MED13L):c.2318del (p.Ser773fs)

Gene: MED13L (mediator complex subunit 13L; minus strand). Cytogenetic location: 12q24.21.
Variant type: Deletion.
Coding change: c.2318del on transcript NM_015335.5 (MANE Select); coding-DNA position 2318, one base deleted (C; older notation c.2318delC).
Protein change: p.Ser773fs; shifts the reading frame from serine 773.
Molecular consequence: frameshift variant.
Genome position (GRCh38, 1-based): chr12:116,006,332, G deleted on the plus strand (C on the coding strand, the reverse complement: MED13L is on the minus strand). VCF-style (leftmost placement, unchanged base first): chr12-116006331-AG-A. GRCh37 (hg19) VCF-style: chr12-116444136-AG-A.
Other names: c.2318delC (NM_015335.5); short protein forms S773fs.
Identifiers: ClinVar variation 996082 (VCV000996082.3), dbSNP rs1879044510, ClinGen allele CA2065370522.
Genomic context (GRCh38, chr12:116,006,331, plus strand): 5'-ACAATCCAAGTGAGGCAAATAATCATTGTACACACCTGTTTTAGTAGCAGAACTGAAAAT[AG>A]ACATGGCATTTTTCCCATCAGGCACCGGCGTGGAATGACCTGGTGTAGTGACATCCTTGG-3'